The following is an entry in ClinVar:

ClinVar aggregate classification (germline): Benign/Likely benign. Review status: criteria provided, multiple submitters, no conflicts (2 of 4 stars). 4 submissions from 4 submitters: Benign (2); Likely benign (1). 1 of the submissions does not count toward it. Last evaluated 2026-08-01.

Conditions:
PKDCC-related disorder. Also called: PKDCC-related condition.

Allele frequency attached by ClinVar (database versions not stated): 1000 Genomes Project 30x 0.00062; 1000 Genomes Project 0.00080; ExAC 0.00334; gnomAD exomes 0.00346 and 0.00629; ESP Exome Variant Server 0.00454.
gnomAD v4.1: 9,648 of 1,613,762 alleles (0.6%); highest among the groups gnomAD compares: Non-Finnish European, 0.76%; 41 homozygotes.

Submissions (4):

CeGaT Center for Human Genetics Tuebingen
Classification: Likely benign. Last evaluated: 2026-08-01. Review status: criteria provided, single submitter. Criteria: CeGaT Center For Human Genetics Tuebingen Variant Classification Criteria Version 2. Collection method: clinical testing. Allele origin: germline. Affected: yes. Observed: 1 variant allele.
Comment: PKDCC: BS2

Labcorp Genetics (formerly Invitae), Labcorp
Classification: Benign. Last evaluated: 2026-01-12. Review status: criteria provided, single submitter. Criteria: Invitae Variant Classification Sherloc (09022015). Collection method: clinical testing. Allele origin: germline.

Breakthrough Genomics
Classification: Benign. Review status: criteria provided, single submitter. Criteria: ACMG Guidelines, 2015. Collection method: not provided. Allele origin: germline. Inheritance: Autosomal recessive inheritance. Affected: yes.

PreventionGenetics, part of Exact Sciences
Classification: Likely benign for PKDCC-related condition. Last evaluated: 2023-03-15. Review status: no assertion criteria provided. Collection method: clinical testing. Allele origin: germline. Not counted in ClinVar's aggregate classification.
Comment: This variant is classified as likely benign based on ACMG/AMP sequence variant interpretation guidelines (Richards et al. 2015 PMID: 25741868, with internal and published modifications).

NM_138370.3(PKDCC):c.709G>A (p.Ala237Thr)

Gene: PKDCC (protein kinase domain containing, cytoplasmic; plus strand). Cytogenetic location: 2p21.
Variant type: single nucleotide variant.
Coding change: c.709G>A on transcript NM_138370.3 (MANE Select); coding-DNA position 709, G replaced by A.
Protein change: p.Ala237Thr; replaces alanine 237 with threonine.
Molecular consequence: missense variant.
Genome position (GRCh38, 1-based): chr2:42,053,308, G>A. VCF-style: chr2-42053308-G-A. GRCh37 (hg19) VCF-style: chr2-42280448-G-A.
Other names: c.709G>A (NM_138370.2); short protein forms A237T.
Identifiers: ClinVar variation 1584679 (VCV001584679.12), dbSNP rs34853050, ClinGen allele CA1627982.
Genomic context (GRCh38, chr2:42,053,308, plus strand): 5'-TACTGCTACCAGGACAGCGAGGACATCCCAGACACCCTGACCACCATCACGGAGCTGGGC[G>A]CCCCTGTAGAAATGATCCAGCTGCTGCAAACTTCCTGGGAGGATCGATTCCGAGTGAGCT-3'
Protein context (NP_612379.2, residues 227-247): DTLTTITELG[Ala237Thr]PVEMIQLLQT